The following is an entry in ClinVar:

ClinVar aggregate classification (germline): Conflicting classifications of pathogenicity. Review status: criteria provided, conflicting classifications (1 of 4 stars). 11 submissions from 11 submitters: Uncertain significance (6); Likely benign (3). 2 of the submissions do not count toward it. Last evaluated 2026-05-01.

Conditions:
Cardiovascular phenotype. Identifiers: MedGen CN230736.
TTN-related disorder. Also called: TTN-related condition; TTN-related disease; TTN-related disorders.

Allele frequency attached by ClinVar (database versions not stated): gnomAD 0.00008; TOPMed 0.00008; gnomAD exomes 0.00009; ExAC 0.00013; ESP Exome Variant Server 0.00016.
gnomAD v4.1: 147 of 1,613,602 alleles (0.0091%); highest among the groups gnomAD compares: Non-Finnish European, 0.011%; no homozygotes.

Submissions (11):

CeGaT Center for Human Genetics Tuebingen
Classification: Uncertain significance. Last evaluated: 2026-05-01. Review status: criteria provided, single submitter. Criteria: CeGaT Center For Human Genetics Tuebingen Variant Classification Criteria Version 2. Collection method: clinical testing. Allele origin: germline. Affected: yes. Observed: 2 variant alleles.

PreventionGenetics, part of Exact Sciences
Classification: Uncertain significance for TTN-related condition. Last evaluated: 2026-04-07. Review status: criteria provided, single submitter. Criteria: ACMG Guidelines, 2015. Collection method: clinical testing. Allele origin: germline.
Comment: The TTN c.98431C>T variant is predicted to result in the amino acid substitution p.Arg32811Cys. To our knowledge, this variant has not been reported in the literature. This variant is reported in 0.018% of alleles in individuals of European (Non-Finnish) descent in gnomAD. Although we suspect that this variant may be benign, at this time, the clinical significance of this variant is uncertain due to the absence of conclusive functional and genetic evidence.

Molecular Diagnostic Laboratory for Inherited Cardiovascular Disease, Montreal Heart Institute
Classification: Likely benign. Last evaluated: 2026-03-27. Review status: criteria provided, single submitter. Criteria: ACMG Guidelines, 2015. Collection method: clinical testing. Allele origin: germline. Affected: no.

Blueprint Genetics
Classification: Likely benign. Last evaluated: 2024-09-11. Review status: criteria provided, single submitter. Criteria: ACMG Guidelines, 2015. Collection method: clinical testing. Allele origin: germline.

Women's Health and Genetics/Laboratory Corporation of America, LabCorp
Classification: Uncertain significance. Last evaluated: 2023-06-18. Review status: criteria provided, single submitter. Criteria: LabCorp Variant Classification Summary - May 2015. Collection method: clinical testing. Allele origin: germline.

Revvity Omics, Revvity
Classification: Uncertain significance. Last evaluated: 2022-08-22. Review status: criteria provided, single submitter. Criteria: ACMG Guidelines, 2015. Collection method: clinical testing. Allele origin: germline.

GeneDx
Classification: Likely benign. Last evaluated: 2020-12-17. Review status: criteria provided, single submitter. Criteria: GeneDx Variant Classification Process June 2021. Collection method: clinical testing. Allele origin: germline. Affected: yes.
Comment: This variant is associated with the following publications: (PMID: 24503780)

Athena Diagnostics
Classification: Uncertain significance. Last evaluated: 2018-12-31. Review status: criteria provided, single submitter. Criteria: Athena Diagnostics Criteria. Collection method: clinical testing. Allele origin: germline.

Ambry Genetics
Classification: Uncertain significance for Cardiovascular phenotype. Last evaluated: 2017-06-20. Review status: criteria provided, single submitter. Criteria: Ambry Variant Classification Scheme 2023. Collection method: clinical testing. Allele origin: germline.
Comment: The p.R23746C variant (also known as c.71236C>T), located in coding exon 179 of the TTN gene, results from a C to T substitution at nucleotide position 71236. The arginine at codon 23746 is replaced by cysteine, an amino acid with highly dissimilar properties. This amino acid position is well conserved in available vertebrate species. In addition, this alteration is predicted to be tolerated by in silico analysis. Since supporting evidence is limited at this time, the clinical significance of this alteration remains unclear.

Genome Diagnostics Laboratory, Amsterdam University Medical Center
Classification: Uncertain significance. Review status: no assertion criteria provided. Collection method: clinical testing. Allele origin: germline. Affected: yes. Study: VKGL Data-share Consensus. Not counted in ClinVar's aggregate classification.

Joint Genome Diagnostic Labs from Nijmegen and Maastricht, Radboudumc and MUMC+
Classification: Uncertain significance. Review status: no assertion criteria provided. Collection method: clinical testing. Allele origin: germline. Affected: yes. Study: VKGL Data-share Consensus. Not counted in ClinVar's aggregate classification.

NM_001267550.2(TTN):c.98431C>T (p.Arg32811Cys)

Genes: TTN (titin; minus strand), TTN-AS1 (TTN antisense RNA 1; plus strand). Cytogenetic location: 2q31.2.
Variant type: single nucleotide variant.
Coding change: c.98431C>T on transcript NM_001267550.2 (MANE Select); coding-DNA position 98431, C replaced by T.
Protein change: p.Arg32811Cys; replaces arginine 32811 with cysteine.
Molecular consequence: missense variant. On other transcripts: non-coding transcript variant (1).
Genome position (GRCh38, 1-based): chr2:178,539,634, G>A on the plus strand (C>T on the coding strand, the complement: TTN is on the minus strand). VCF-style: chr2-178539634-G-A. GRCh37 (hg19) VCF-style: chr2-179404361-G-A.
Other names: c.93508C>T, p.Arg31170Cys (NM_001256850.1); c.71236C>T, p.Arg23746Cys (NM_003319.4); c.90727C>T, p.Arg30243Cys (NM_133378.4); c.71611C>T, p.Arg23871Cys (NM_133432.3); c.71812C>T, p.Arg23938Cys (NM_133437.4); short protein forms R31170C, R32811C, R23746C, R23871C, R30243C, R23938C.
Identifiers: ClinVar variation 510946 (VCV000510946.50), dbSNP rs371807358, ClinGen allele CA1986378.